The following is an entry in ClinVar:

NM_003601.4(SMARCA5):c.466A>G (p.Thr156Ala)

Gene: SMARCA5 (SNF2 related chromatin remodeling ATPase 5; plus strand). Cytogenetic location: 4q31.21.
Variant type: single nucleotide variant.
Coding change: c.466A>G on transcript NM_003601.4 (MANE Select); coding-DNA position 466, A replaced by G.
Protein change: p.Thr156Ala; replaces threonine 156 with alanine.
Molecular consequence: missense variant.
Genome position (GRCh38, 1-based): chr4:143,524,413, A>G. VCF-style: chr4-143524413-A-G. GRCh37 (hg19) VCF-style: chr4-144445566-A-G.
Other names: short protein forms T156A.
Identifiers: ClinVar variation 4847414 (VCV004847414.1).

ClinVar aggregate classification (germline): Uncertain significance (1 of 4 stars; one submission).

Submission:

Women's Health and Genetics/Laboratory Corporation of America, LabCorp
Classification: Uncertain significance. Last evaluated: 2026-03-06. Review status: criteria provided, single submitter. Criteria: LabCorp Variant Classification Summary - May 2015. Collection method: clinical testing. Allele origin: germline.
Comment: Variant summary: SMARCA5 c.466A>G (p.Thr156Ala) results in a non-conservative amino acid change in the encoded protein sequence. Algorithms developed to predict the effect of missense changes on protein structure and function are either unavailable or do not agree on the potential impact of this missense change. The variant was absent in 251040 control chromosomes. The available data on variant occurrences in the general population are insufficient to allow any conclusion about variant significance. To our knowledge, no occurrence of c.466A>G in individuals affected with SMARCA5-related conditions and no experimental evidence demonstrating its impact on protein function have been reported. No submitters have cited clinical-significance assessments for this variant to ClinVar. Based on the evidence outlined above, the variant was classified as uncertain significance.